The following is an entry in ClinVar:

NM_000342.4(SLC4A1):c.776C>T (p.Pro259Leu)

Gene: SLC4A1 (solute carrier family 4 member 1 (Diego blood group); minus strand). Cytogenetic location: 17q21.31.
Variant type: single nucleotide variant.
Coding change: c.776C>T on transcript NM_000342.4 (MANE Select); coding-DNA position 776, C replaced by T.
Protein change: p.Pro259Leu; replaces proline 259 with leucine.
Molecular consequence: missense variant.
Genome position (GRCh38, 1-based): chr17:44,259,263, G>A on the plus strand (C>T on the coding strand, the complement: SLC4A1 is on the minus strand). VCF-style: chr17-44259263-G-A. GRCh37 (hg19) VCF-style: chr17-42336631-G-A.
Other names: c.776C>T (NM_000342.3); short protein forms P259L.
Identifiers: ClinVar variation 3021774 (VCV003021774.5), dbSNP rs778266623, ClinGen allele CA8600467.

ClinVar aggregate classification (germline): Uncertain significance. Review status: criteria provided, multiple submitters, no conflicts (2 of 4 stars). 3 submissions from 3 submitters: Uncertain significance (3). Last evaluated 2025-11-13.

Conditions:
Hereditary spherocytosis type 4. Also called: SLC4A1-Related Spherocytosis. Identifiers: Orphanet 822, MedGen C2675212, MONDO:0012981, OMIM 612653.
Malaria, susceptibility to. Identifiers: Orphanet 673, MedGen C1970028, MONDO:0021024, OMIM 611162.
BLOOD GROUP--SWANN SYSTEM (SW). Also called: SWANN BLOOD GROUP. Identifiers: MedGen C1832169, OMIM 601550.
BLOOD GROUP--DIEGO SYSTEM (DI). Identifiers: MedGen C1292286, OMIM 110500.
BLOOD GROUP, WALDNER (WD). Also called: WALDNER BLOOD GROUP ANTIGEN. Identifiers: MedGen C1862191, OMIM 112010.
BLOOD GROUP--FROESE (FR). Also called: FROESE BLOOD GROUP ANTIGEN. Identifiers: MedGen C1832168, OMIM 601551.
BLOOD GROUP--WRIGHT ANTIGEN (WR). Identifiers: MedGen C1862190, OMIM 112050.
Southeast Asian ovalocytosis. Also called: HE, STOMATOCYTIC; Elliptocytosis 4; Stomatocytic elliptocytosis, hereditary; Ovalocytosis, Malaysian-Melanesian-Filipino type. Identifiers: Orphanet 98868, MedGen C1862322, MONDO:0008165, OMIM 166900.
Cryohydrocytosis. Also called: CRYOHYDROCYTOSIS DUE TO BAND 3 HEMEL; CRYOHYDROCYTOSIS DUE TO BAND 3 HURSTPIERPOINT; CRYOHYDROCYTOSIS DUE TO BAND 3 BLACKBURN; STOMATOCYTOSIS, COLD-SENSITIVE; Hereditary cryohydrocytosis with normal stomatin. Identifiers: Orphanet 398088, MedGen C1861453, MONDO:0008494, OMIM 185020.
Autosomal dominant distal renal tubular acidosis (DRTA1). Also called: RENAL TUBULAR ACIDOSIS, DISTAL, 1; RTA, CLASSIC TYPE; RTA, DISTAL TYPE, AUTOSOMAL DOMINANT; RTA, GRADIENT TYPE; Renal Tubular Acidosis, Type I. Identifiers: Orphanet 93608, MedGen CN280572, MONDO:0008368, OMIM 179800.
Renal tubular acidosis, distal, 4, with hemolytic anemia. Also called: Renal Tubular Acidosis, Distal, with Hemolytic Anemia. Identifiers: Orphanet 93610, MedGen C5436235, MONDO:0012700, OMIM 611590.
SLC4A1-related disorder. Also called: SLC4A1-related condition; SLC4A1-related disorders.

Allele frequency attached by ClinVar (database versions not stated): ExAC 0.00001; gnomAD exomes 0.00001; gnomAD 0.00003; TOPMed 0.00003.

Submissions (3):

Labcorp Genetics (formerly Invitae), Labcorp
Classification: Uncertain significance. Last evaluated: 2025-11-13. Review status: criteria provided, single submitter. Criteria: Invitae Variant Classification Sherloc (09022015). Collection method: clinical testing. Allele origin: germline.
Comment: This sequence change replaces proline, which is neutral and non-polar, with leucine, which is neutral and non-polar, at codon 259 of the SLC4A1 protein (p.Pro259Leu). This variant is present in population databases (rs778266623, gnomAD 0.004%). This variant has not been reported in the literature in individuals affected with SLC4A1-related conditions. ClinVar contains an entry for this variant (Variation ID: 3021774). Invitae Evidence Modeling of protein sequence and biophysical properties (such as structural, functional, and spatial information, amino acid conservation, physicochemical variation, residue mobility, and thermodynamic stability) indicates that this missense variant is not expected to disrupt SLC4A1 protein function with a negative predictive value of 80%. In summary, the available evidence is currently insufficient to determine the role of this variant in disease. Therefore, it has been classified as a Variant of Uncertain Significance.

PreventionGenetics, part of Exact Sciences
Classification: Uncertain significance for SLC4A1-related condition. Last evaluated: 2024-12-30. Review status: criteria provided, single submitter. Criteria: ACMG Guidelines, 2015. Collection method: clinical testing. Allele origin: germline.
Comment: The SLC4A1 c.776C>T variant is predicted to result in the amino acid substitution p.Pro259Leu. To our knowledge, this variant has not been reported in the literature. This variant is reported in 0.0040% of alleles in individuals of African descent in gnomAD. At this time, the clinical significance of this variant is uncertain due to the absence of conclusive functional and genetic evidence.

Fulgent Genetics
Classification: Uncertain significance for BLOOD GROUP--DIEGO SYSTEM; BLOOD GROUP, WALDNER; BLOOD GROUP--WRIGHT ANTIGEN; Southeast Asian ovalocytosis; Autosomal dominant distal renal tubular acidosis; Cryohydrocytosis; BLOOD GROUP--SWANN SYSTEM; BLOOD GROUP--FROESE; Malaria, susceptibility to; Renal tubular acidosis, distal, 4, with hemolytic anemia; Hereditary spherocytosis type 4. Last evaluated: 2024-05-02. Review status: criteria provided, single submitter. Criteria: ACMG Guidelines, 2015. Collection method: clinical testing. Allele origin: germline.